The following is an entry in ClinVar:

NM_005883.3(APC2):c.757C>T (p.Pro253Ser)

Gene: APC2 (APC regulator of Wnt signaling pathway 2; plus strand). Cytogenetic location: 19p13.3.
Variant type: single nucleotide variant.
Coding change: c.757C>T on transcript NM_005883.3 (MANE Select); coding-DNA position 757, C replaced by T.
Protein change: p.Pro253Ser; replaces proline 253 with serine.
Molecular consequence: missense variant.
Genome position (GRCh38, 1-based): chr19:1,456,345, C>T. VCF-style: chr19-1456345-C-T. GRCh37 (hg19) VCF-style: chr19-1456344-C-T.
Other names: c.754C>T, p.Pro252Ser (NM_001351273.1); short protein forms P252S, P253S.
Identifiers: ClinVar variation 1033037 (VCV001033037.2), dbSNP rs555858661, ClinGen allele CA403013937.
Genomic context (GRCh38, chr19:1,456,345, plus strand): 5'-ACCCTGGTGCTCTCCCTGCAGGCCTTGCTGGCGGTGAAGTCGGTGCCGGTGGACGAGGAC[C>T]CCGAGACAGAGGTCCCCACACACCCTGAGGATGGCACCCCTCAGCCGGGCAACAGCAAGG-3'
Protein context (NP_005874.1, residues 243-263): AVKSVPVDED[Pro253Ser]ETEVPTHPED

ClinVar aggregate classification (germline): Uncertain significance. Review status: criteria provided, multiple submitters, no conflicts (2 of 4 stars). 2 submissions from 2 submitters: Uncertain significance (2). Last evaluated 2025-06-04.

Conditions:
Intellectual developmental disorder, autosomal recessive 74 (MRT74). Also called: Sotos syndrome 3. Identifiers: MedGen C4310684, MONDO:0014951, OMIM 617169.

Submissions (2):

Women's Health and Genetics/Laboratory Corporation of America, LabCorp
Classification: Uncertain significance. Last evaluated: 2025-06-04. Review status: criteria provided, single submitter. Criteria: LabCorp Variant Classification Summary - May 2015. Collection method: clinical testing. Allele origin: germline.
Comment: Variant summary: APC2 c.757C>T (p.Pro253Ser) results in a non-conservative amino acid change in the encoded protein sequence. Algorithms developed to predict the effect of missense changes on protein structure and function are either unavailable or do not agree on the potential impact of this missense change. The variant was absent in 240960 control chromosomes (gnomAD). The available data on variant occurrences in the general population are insufficient to allow any conclusion about variant significance. To our knowledge, no occurrence of c.757C>T in individuals affected with APC2-Related Disorders and no experimental evidence demonstrating its impact on protein function have been reported. ClinVar contains an entry for this variant (Variation ID: 1033037). Based on the evidence outlined above, the variant was classified as uncertain significance.

Baylor Genetics
Classification: Uncertain significance for Intellectual developmental disorder, autosomal recessive 74. Last evaluated: 2018-11-19. Review status: criteria provided, single submitter. Criteria: ACMG Guidelines, 2015. Collection method: clinical testing. Allele origin: maternal. Affected: yes.
Comment: This variant was determined to be of uncertain significance according to ACMG Guidelines, 2015 [PMID:25741868].